The following is an entry in ClinVar:

ClinVar aggregate classification (germline): Pathogenic (1 of 4 stars; one submission).

Conditions:
Episodic kinesigenic dyskinesia (EKD). Also called: Paroxysmal kinesigenic dyskinesia. Identifiers: Orphanet 98809, MedGen C1868682, MONDO:0044202.

Submission:

Labcorp Genetics (formerly Invitae), Labcorp
Classification: Pathogenic for Episodic kinesigenic dyskinesia. Last evaluated: 2024-08-20. Review status: criteria provided, single submitter. Criteria: Invitae Variant Classification Sherloc (09022015). Collection method: clinical testing. Allele origin: germline.
Comment: This sequence change creates a premature translational stop signal (p.Lys19*) in the PRRT2 gene. It is expected to result in an absent or disrupted protein product. Loss-of-function variants in PRRT2 are known to be pathogenic (PMID: 22623405, 22744660). This variant is not present in population databases (gnomAD no frequency). This variant has not been reported in the literature in individuals affected with PRRT2-related conditions. Algorithms developed to predict the effect of sequence changes on RNA splicing suggest that this variant may disrupt the consensus splice site. For these reasons, this variant has been classified as Pathogenic.

Literature cited by the submitters: PubMed 22623405; PubMed 22744660.

NM_145239.3(PRRT2):c.55A>T (p.Lys19Ter)

Genes: MVP-DT (MVP divergent transcript; minus strand), PRRT2 (proline rich transmembrane protein 2; plus strand). Cytogenetic location: 16p11.2.
Variant type: single nucleotide variant.
Coding change: c.55A>T on transcript NM_145239.3 (MANE Select); coding-DNA position 55, A replaced by T.
Protein change: p.Lys19Ter; replaces lysine 19 with a stop codon.
Molecular consequence: nonsense.
Genome position (GRCh38, 1-based): chr16:29,813,109, A>T. VCF-style: chr16-29813109-A-T. GRCh37 (hg19) VCF-style: chr16-29824430-A-T.
Other names: c.55A>T, p.Lys19Ter (NM_001256442.2, NM_001256443.2); short protein forms K19*.
Identifiers: ClinVar variation 2770959 (VCV002770959.3), dbSNP rs775000504, ClinGen allele CA395477096.